The following is an entry in ClinVar:

ClinVar aggregate classification (germline): Uncertain significance (1 of 4 stars; one submission).

gnomAD v4.1: 1 of 1,603,518 alleles (0.000062%); highest among the groups gnomAD compares: Admixed American, 0.0017%; no homozygotes.

Submission:

Labcorp Genetics (formerly Invitae), Labcorp
Classification: Uncertain significance. Last evaluated: 2022-06-05. Review status: criteria provided, single submitter. Criteria: Invitae Variant Classification Sherloc (09022015). Collection method: clinical testing. Allele origin: germline.
Comment: This sequence change replaces proline, which is neutral and non-polar, with threonine, which is neutral and polar, at codon 711 of the ADAMTSL4 protein (p.Pro711Thr). This variant is not present in population databases (gnomAD no frequency). This variant has not been reported in the literature in individuals affected with ADAMTSL4-related conditions. ClinVar contains an entry for this variant (Variation ID: 1486768). Algorithms developed to predict the effect of missense changes on protein structure and function (SIFT, PolyPhen-2, Align-GVGD) all suggest that this variant is likely to be disruptive. In summary, the available evidence is currently insufficient to determine the role of this variant in disease. Therefore, it has been classified as a Variant of Uncertain Significance.

NM_019032.6(ADAMTSL4):c.2131C>A (p.Pro711Thr)

Genes: ADAMTSL4 (ADAMTS like 4; plus strand), ADAMTSL4-AS2 (ADAMTSL4 antisense RNA 2; minus strand). Cytogenetic location: 1q21.2.
Variant type: single nucleotide variant.
Coding change: c.2131C>A on transcript NM_019032.6 (MANE Select); coding-DNA position 2131, C replaced by A.
Protein change: p.Pro711Thr; replaces proline 711 with threonine.
Molecular consequence: missense variant.
Genome position (GRCh38, 1-based): chr1:150,557,577, C>A. VCF-style: chr1-150557577-C-A. GRCh37 (hg19) VCF-style: chr1-150530053-C-A.
Other names: c.2014C>A, p.Pro672Thr (NM_001288607.2); c.2200C>A, p.Pro734Thr (NM_001288608.2); c.2131C>A, p.Pro711Thr (NM_001378596.1, NM_025008.5); short protein forms P672T, P734T, P711T.
Identifiers: ClinVar variation 1486768 (VCV001486768.6), dbSNP rs770704761, ClinGen allele CA342314272.
Genomic context (GRCh38, chr1:150,557,577, plus strand): 5'-TGCATCTCCCGTGAGTCGGGAGAGGAACTGGATGAACGCAGCTGTGCCGCGGGTGCCAGG[C>A]CCCCAGCCTCCCCTGAACCCTGCCACGGCACCCCATGCCCCCCATAGTGAGTATGGGGGA-3'
Protein context (NP_061905.2, residues 701-721): DERSCAAGAR[Pro711Thr]PASPEPCHGT